The following is an entry in ClinVar:

ClinVar aggregate classification (germline): Uncertain significance. Review status: criteria provided, multiple submitters, no conflicts (2 of 4 stars). 2 submissions from 2 submitters: Uncertain significance (2). Last evaluated 2026-01-26.

Conditions:
Hereditary cancer-predisposing syndrome. Also called: Hereditary neoplastic syndrome; Neoplastic Syndromes, Hereditary; Tumor predisposition; Hereditary Cancer Syndrome. Identifiers: Orphanet 140162, MedGen C0027672, MeSH D009386, MONDO:0015356.

Allele frequency attached by ClinVar (database versions not stated): gnomAD exomes below 0.00001; ExAC 0.00001; gnomAD 0.00001; 1000 Genomes Project 30x 0.00016; 1000 Genomes Project 0.00020.
gnomAD v4.1: 5 of 1,614,076 alleles (0.00031%); highest among the groups gnomAD compares: African/African-American, 0.004%; no homozygotes.

Submissions (2):

Labcorp Genetics (formerly Invitae), Labcorp
Classification: Uncertain significance. Last evaluated: 2026-01-26. Review status: criteria provided, single submitter. Criteria: Invitae Variant Classification Sherloc (09022015). Collection method: clinical testing. Allele origin: germline.
Comment: This sequence change replaces glycine, which is neutral and non-polar, with alanine, which is neutral and non-polar, at codon 260 of the MSH3 protein (p.Gly260Ala). This variant is present in population databases (rs142201450, gnomAD 0.007%). This variant has not been reported in the literature in individuals affected with MSH3-related conditions. ClinVar contains an entry for this variant (Variation ID: 1510251). An algorithm developed to predict the effect of missense changes on protein structure and function (PolyPhen-2) suggests that this variant is likely to be disruptive. In summary, the available evidence is currently insufficient to determine the role of this variant in disease. Therefore, it has been classified as a Variant of Uncertain Significance.

Ambry Genetics
Classification: Uncertain significance for Hereditary cancer-predisposing syndrome. Last evaluated: 2025-07-12. Review status: criteria provided, single submitter. Criteria: Ambry Variant Classification Scheme 2023. Collection method: clinical testing. Allele origin: germline.
Comment: The p.G260A variant (also known as c.779G>C), located in coding exon 4 of the MSH3 gene, results from a G to C substitution at nucleotide position 779. The glycine at codon 260 is replaced by alanine, an amino acid with similar properties. This amino acid position is conserved. In addition, this alteration is predicted to be deleterious by in silico analysis. Based on the available evidence, the clinical significance of this variant remains unclear.

NM_002439.5(MSH3):c.779G>C (p.Gly260Ala)

Gene: MSH3 (mutS homolog 3; plus strand). Cytogenetic location: 5q14.1.
Variant type: single nucleotide variant.
Coding change: c.779G>C on transcript NM_002439.5 (MANE Select); coding-DNA position 779, G replaced by C.
Protein change: p.Gly260Ala; replaces glycine 260 with alanine.
Molecular consequence: missense variant.
Genome position (GRCh38, 1-based): chr5:80,670,296, G>C. VCF-style: chr5-80670296-G-C. GRCh37 (hg19) VCF-style: chr5-79966115-G-C.
Other names: c.779G>C (NM_002439.3); short protein forms G260A.
Identifiers: ClinVar variation 1510251 (VCV001510251.7), dbSNP rs142201450, ClinGen allele CA3327693.